The following is an entry in ClinVar:

ClinVar aggregate classification (germline): Uncertain significance. Review status: criteria provided, multiple submitters, no conflicts (2 of 4 stars). 2 submissions from 2 submitters: Uncertain significance (2). Last evaluated 2025-08-15.

Conditions:
Early-infantile DEE. Also called: Ohtahara syndrome; Early infantile epileptic encephalopathy; Early infantile epileptic encephalopathy with suppression bursts. Identifiers: Orphanet 1934, MedGen C0393706, MONDO:0800491.

Allele frequency attached by ClinVar (database versions not stated): gnomAD exomes below 0.00001; TOPMed below 0.00001.
gnomAD v4.1: 3 of 1,614,070 alleles (0.00019%); highest among the groups gnomAD compares: African/African-American, 0.0013%; no homozygotes.

Submissions (2):

Labcorp Genetics (formerly Invitae), Labcorp
Classification: Uncertain significance for Early-infantile DEE. Last evaluated: 2025-08-15. Review status: criteria provided, single submitter. Criteria: Invitae Variant Classification Sherloc (09022015). Collection method: clinical testing. Allele origin: germline.
Comment: This sequence change replaces arginine, which is basic and polar, with histidine, which is basic and polar, at codon 2403 of the SPTAN1 protein (p.Arg2403His). This variant is not present in population databases (gnomAD no frequency). This variant has not been reported in the literature in individuals affected with SPTAN1-related conditions. ClinVar contains an entry for this variant (Variation ID: 1311971). Invitae Evidence Modeling of protein sequence and biophysical properties (such as structural, functional, and spatial information, amino acid conservation, physicochemical variation, residue mobility, and thermodynamic stability) has been performed for this missense variant. However, the output from this modeling did not meet the statistical confidence thresholds required to predict the impact of this variant on SPTAN1 protein function. In summary, the available evidence is currently insufficient to determine the role of this variant in disease. Therefore, it has been classified as a Variant of Uncertain Significance.

GeneDx
Classification: Uncertain significance. Last evaluated: 2020-01-20. Review status: criteria provided, single submitter. Criteria: GeneDx Variant Classification Process June 2021. Collection method: clinical testing. Allele origin: germline. Affected: yes.
Comment: Not observed in large population cohorts (Lek et al., 2016); In silico analysis, which includes protein predictors and evolutionary conservation, supports a deleterious effect; Has not been previously published as pathogenic or benign to our knowledge

NM_001130438.3(SPTAN1):c.7208G>A (p.Arg2403His)

Gene: SPTAN1 (spectrin alpha, non-erythrocytic 1; plus strand). Cytogenetic location: 9q34.11.
Variant type: single nucleotide variant.
Coding change: c.7208G>A on transcript NM_001130438.3 (MANE Select); coding-DNA position 7208, G replaced by A.
Protein change: p.Arg2403His; replaces arginine 2403 with histidine.
Molecular consequence: missense variant.
Genome position (GRCh38, 1-based): chr9:128,632,855, G>A. VCF-style: chr9-128632855-G-A. GRCh37 (hg19) VCF-style: chr9-131395134-G-A.
Other names: c.7133G>A, p.Arg2378His (NM_001195532.2); c.7271G>A, p.Arg2424His (NM_001363759.2); c.7148G>A, p.Arg2383His (NM_001363765.2, NM_001375314.2); c.7295G>A, p.Arg2432His (NM_001375310.1); c.7208G>A, p.Arg2403His (NM_001375311.2); c.7244G>A, p.Arg2415His (NM_001375312.2); c.7190G>A, p.Arg2397His (NM_001375313.1); c.7307G>A, p.Arg2436His (NM_001375318.1); and 1 more; short protein forms R2378H, R2383H, R2397H, R2398H, R2403H, R2415H, R2424H, R2432H.
Identifiers: ClinVar variation 1311971 (VCV001311971.6), dbSNP rs1280116999, ClinGen allele CA375101922.